The following is an entry in ClinVar:

ClinVar aggregate classification (germline): Uncertain significance (1 of 4 stars; one submission).

Conditions:
Hereditary cancer-predisposing syndrome. Also called: Neoplastic Syndromes, Hereditary; Tumor predisposition; Hereditary Cancer Syndrome; Hereditary neoplastic syndrome. Identifiers: Orphanet 140162, MedGen C0027672, MeSH D009386, MONDO:0015356.

Submission:

Ambry Genetics
Classification: Uncertain significance for Hereditary cancer-predisposing syndrome. Last evaluated: 2026-02-27. Review status: criteria provided, single submitter. Criteria: Ambry Variant Classification Scheme 2023. Collection method: clinical testing. Allele origin: germline.
Comment: The p.K80E variant (also known as c.238A>G), located in coding exon 2 of the EGFR gene, results from an A to G substitution at nucleotide position 238. The lysine at codon 80 is replaced by glutamic acid, an amino acid with similar properties. This amino acid position is conserved. In addition, the in silico prediction for this alteration is inconclusive. Based on the available evidence, the clinical significance of this variant remains unclear.

NM_005228.5(EGFR):c.238A>G (p.Lys80Glu)

Gene: EGFR (epidermal growth factor receptor; plus strand). Cytogenetic location: 7p11.2.
Variant type: single nucleotide variant.
Coding change: c.238A>G on transcript NM_005228.5 (MANE Select); coding-DNA position 238, A replaced by G.
Protein change: p.Lys80Glu; replaces lysine 80 with glutamic acid.
Molecular consequence: missense variant. On other transcripts: intron variant (1).
Genome position (GRCh38, 1-based): chr7:55,142,435, A>G. VCF-style: chr7-55142435-A-G. GRCh37 (hg19) VCF-style: chr7-55210128-A-G.
Other names: c.238A>G, p.Lys80Glu (NM_201284.2, NM_001346897.2, NM_001346898.2 and 3 more transcripts); c.89-13395A>G (NM_001346941.2); c.79A>G, p.Lys27Glu (NM_001346900.2); short protein forms K80E, K27E.
Identifiers: ClinVar variation 4826840 (VCV004826840.1).
Genomic context (GRCh38, chr7:55,142,435, plus strand): 5'-GTGGTCCTTGGGAATTTGGAAATTACCTATGTGCAGAGGAATTATGATCTTTCCTTCTTA[A>G]AGGTTGGTGACTTTGATTTTCCTACACAAATAAAATTGGAGAAAATCTAAGTGGAGAAAG-3'
Protein context (NP_005219.2, residues 70-90): VQRNYDLSFL[Lys80Glu]TIQEVAGYVL